The following is an entry in ClinVar:

ClinVar aggregate classification (germline): Pathogenic (1 of 4 stars; one submission).

Conditions:
Polycystic kidney disease, adult type (PKD1). Also called: Polycystic Kidney, Autosomal Dominant; POLYCYSTIC KIDNEY DISEASE 1 WITH OR WITHOUT POLYCYSTIC LIVER DISEASE; POLYCYSTIC KIDNEY DISEASE, ADULT, TYPE I; Polycystic Kidney Disease 1, Autosomal Dominant; Polycystic kidney disease 1; Polycystic kidney disease 1, severe. Identifiers: MedGen C3149841, MONDO:0008263, OMIM 173900.

Submission:

Juno Genomics, Hangzhou Juno Genomics, Inc
Classification: Pathogenic for Polycystic kidney disease, adult type. Review status: criteria provided, single submitter. Criteria: ACMG Guidelines, 2015. Collection method: clinical testing. Allele origin: germline. Affected: yes.
Comment: Absent from controls (or at extremely low frequency if recessive) in Genome Aggregation Database, Exome Sequencing Project, 1000 Genomes Project, or Exome Aggregation Consortium.;Null variant in a gene where loss of function (LOF) is a known mechanism of disease.;Patient's phenotype or family history is highly specific for a disease with a single genetic etiology.

NM_001009944.3(PKD1):c.3217_3218insTTCGG (p.Glu1073fs)

Gene: PKD1 (polycystin 1, transient receptor potential channel interacting; minus strand). Cytogenetic location: 16p13.3.
Variant type: Insertion.
Coding change: c.3217_3218insTTCGG on transcript NM_001009944.3 (MANE Select); coding-DNA positions 3217 to 3218, TTCGG inserted.
Protein change: p.Glu1073fs; shifts the reading frame from glutamic acid 1073.
Molecular consequence: frameshift variant.
Genome position: GRCh38 VCF-style: chr16-2112417-T-TCCGAA. GRCh37 (hg19) VCF-style: chr16-2162418-T-TCCGAA.
Other names: c.3217_3218insTTCGG, p.Glu1073fs (NM_000296.4); short protein forms E1073fs.
Identifiers: ClinVar variation 3335860 (VCV003335860.2).